The following is an entry in ClinVar:

NM_024301.5(FKRP):c.736C>A (p.Pro246Thr)

Gene: FKRP (fukutin related protein; plus strand). Cytogenetic location: 19q13.32.
Variant type: single nucleotide variant.
Coding change: c.736C>A on transcript NM_024301.5 (MANE Select); coding-DNA position 736, C replaced by A.
Protein change: p.Pro246Thr; replaces proline 246 with threonine.
Molecular consequence: missense variant.
Genome position (GRCh38, 1-based): chr19:46,756,186, C>A. VCF-style: chr19-46756186-C-A. GRCh37 (hg19) VCF-style: chr19-47259443-C-A.
Other names: c.736C>A, p.Pro246Thr (NM_001039885.3); short protein forms P246T.
Identifiers: ClinVar variation 1389419 (VCV001389419.6), dbSNP rs1443171664, ClinGen allele CA406495911.

ClinVar aggregate classification (germline): Uncertain significance (1 of 4 stars; one submission).

Conditions:
Walker-Warburg congenital muscular dystrophy. Also called: Muscular dystrophy-dystroglycanopathy, type A; Walker-Warburg syndrome. Identifiers: Orphanet 899, MedGen C0265221, MONDO:0000171.

Submission:

Labcorp Genetics (formerly Invitae), Labcorp
Classification: Uncertain significance for Walker-Warburg congenital muscular dystrophy. Last evaluated: 2024-12-16. Review status: criteria provided, single submitter. Criteria: Invitae Variant Classification Sherloc (09022015). Collection method: clinical testing. Allele origin: germline.
Comment: This sequence change replaces proline, which is neutral and non-polar, with threonine, which is neutral and polar, at codon 246 of the FKRP protein (p.Pro246Thr). This variant is not present in population databases (gnomAD no frequency). This variant has not been reported in the literature in individuals affected with FKRP-related conditions. ClinVar contains an entry for this variant (Variation ID: 1389419). Invitae Evidence Modeling of protein sequence and biophysical properties (such as structural, functional, and spatial information, amino acid conservation, physicochemical variation, residue mobility, and thermodynamic stability) indicates that this missense variant is not expected to disrupt FKRP protein function with a negative predictive value of 80%. In summary, the available evidence is currently insufficient to determine the role of this variant in disease. Therefore, it has been classified as a Variant of Uncertain Significance.